The following is an entry in ClinVar:

ClinVar aggregate classification (germline): Uncertain significance. Review status: criteria provided, multiple submitters, no conflicts (2 of 4 stars). 2 submissions from 2 submitters: Uncertain significance (2). Last evaluated 2023-12-08.

Conditions:
KIF1A related neurological disorder. Identifiers: MedGen CN312623, MONDO:0700055.

gnomAD v4.1: 2 of 1,550,448 alleles (0.00013%); highest among the groups gnomAD compares: East Asian, 0.0024%; no homozygotes.

Submissions (2):

GeneDx
Classification: Uncertain significance. Last evaluated: 2023-12-08. Review status: criteria provided, single submitter. Criteria: GeneDx Variant Classification Process June 2021. Collection method: clinical testing. Allele origin: germline. Affected: yes.
Comment: Reported using an alternate transcript of the gene; Not observed at significant frequency in large population cohorts (gnomAD); In silico analysis supports that this variant does not alter splicing; Has not been previously published as pathogenic or benign to our knowledge

Victorian Clinical Genetics Services, Murdoch Childrens Research Institute
Classification: Uncertain significance for KIF1A related neurological disorder. Last evaluated: 2020-10-19. Review status: criteria provided, single submitter. Criteria: ACMG Guidelines, 2015. Collection method: clinical testing. Allele origin: germline.
Comment: Based on the classification scheme VCGS_Germline_v1.1.1, this variant is classified as 3C-VUS. Following criteria are met: 0102 - Loss-of-function is a known mechanism of disease for this gene. Protein truncating variants seem to cause peripheral nervous system disorder (PMID: 22258533). (N) 0104 - Dominant Negative is a mechanism of disease for this gene. Missense variants associated with autosomal dominant intellectual disability within the kinesin motor domain have been reported to have dominant-negative effect (PMID: 28970574). (N) 0108 - This gene is known to be associated with both recessive and dominant disease (OMIM). (N) 0200 - Variant is predicted to result in a missense amino acid change from glutamic acid to lysine (exon 27). (N) 0251 - Variant is heterozygous. (N) 0302 - Variant is absent from gnomAD (version 2). (P) 0309 - An alternative amino acid change at the same position has been observed in gnomAD (version 2) (1 heterozygote, 0 homozygotes). (N) 0503 - Missense variant consistently predicted to be tolerated or not conserved in mammals with a minor amino acid change. (B) 0604 - Variant is not located in an established domain, motif, hotspot or informative constraint region. (N) 0705 - No comparable variants have previous evidence for pathogenicity. (N) 0807 - Variant has not previously been reported in a clinical context. (N) 0905 - No segregation evidence has been identified for this variant. (N) 1007 - No published functional evidence has been identified for this variant. (N) 1208 - Inheritance information for this variant is not currently available. (N) Legend: (P) - Pathogenic, (N) - Neutral, (B) - Benign

Literature cited by the submitters: PubMed 22258533 (cited by Victorian Clinical Genetics Services, Murdoch Childrens Research Institute); PubMed 28970574 (cited by Victorian Clinical Genetics Services, Murdoch Childrens Research Institute).

NM_001244008.2(KIF1A):c.2707G>A (p.Glu903Lys)

Gene: KIF1A (kinesin family member 1A; minus strand). Cytogenetic location: 2q37.3.
Variant type: single nucleotide variant.
Coding change: c.2707G>A on transcript NM_001244008.2 (MANE Select); coding-DNA position 2707, G replaced by A.
Protein change: p.Glu903Lys; replaces glutamic acid 903 with lysine.
Molecular consequence: missense variant. On other transcripts: intron variant (18).
Genome position (GRCh38, 1-based): chr2:240,757,470, C>T on the plus strand (G>A on the coding strand, the complement: KIF1A is on the minus strand). VCF-style: chr2-240757470-C-T. GRCh37 (hg19) VCF-style: chr2-241696887-C-T.
Other names: c.2782G>A, p.Glu928Lys (NM_001379631.1); c.2656G>A, p.Glu886Lys (NM_001379632.1); c.2680G>A, p.Glu894Lys (NM_001379633.1, NM_001379642.1, NM_001379645.1); c.2555+890G>A (NM_001379653.1, NM_001379650.1, NM_001379640.1 and 6 more transcripts); c.2657+890G>A (NM_001379635.1, NM_001330290.2, NM_001379646.1 and 1 more transcripts); c.2630+890G>A (NM_001379637.1, NM_001379648.1); c.2582+890G>A (NM_001320705.2, NM_001379638.1, NM_001330289.2); short protein forms E886K, E894K, E903K, E928K.
Identifiers: ClinVar variation 3365163 (VCV003365163.2).